The following is an entry in ClinVar:

ClinVar aggregate classification (germline): Uncertain significance (1 of 4 stars; one submission).

Conditions:
Early-infantile DEE. Also called: Early infantile epileptic encephalopathy; Ohtahara syndrome; Early infantile epileptic encephalopathy with suppression bursts. Identifiers: Orphanet 1934, MedGen C0393706, MONDO:0800491.

Allele frequency attached by ClinVar (database versions not stated): gnomAD exomes below 0.00001; TOPMed below 0.00001; gnomAD 0.00001.
gnomAD v4.1: 2 of 1,613,892 alleles (0.00012%); highest among the groups gnomAD compares: Admixed American, 0.0033%; no homozygotes.

Submission:

Labcorp Genetics (formerly Invitae), Labcorp
Classification: Uncertain significance for Early-infantile DEE. Last evaluated: 2025-05-18. Review status: criteria provided, single submitter. Criteria: Invitae Variant Classification Sherloc (09022015). Collection method: clinical testing. Allele origin: germline.
Comment: This sequence change falls in intron 30 of the SPTAN1 gene. It does not directly change the encoded amino acid sequence of the SPTAN1 protein. It affects a nucleotide within the consensus splice site. This variant is present in population databases (no rsID available, gnomAD 0.1%). This variant has not been reported in the literature in individuals affected with SPTAN1-related conditions. ClinVar contains an entry for this variant (Variation ID: 2118887). Variants that disrupt the consensus splice site are a relatively common cause of aberrant splicing (PMID: 17576681, 9536098). Algorithms developed to predict the effect of sequence changes on RNA splicing suggest that this variant is not likely to affect RNA splicing. In summary, the available evidence is currently insufficient to determine the role of this variant in disease. Therefore, it has been classified as a Variant of Uncertain Significance.

Literature cited by the submitters: PubMed 17576681; PubMed 9536098.

NM_001130438.3(SPTAN1):c.3864+6A>G

Gene: SPTAN1 (spectrin alpha, non-erythrocytic 1; plus strand). Cytogenetic location: 9q34.11.
Variant type: single nucleotide variant.
Coding change: c.3864+6A>G on transcript NM_001130438.3 (MANE Select); 6 bases into the intron after coding-DNA position 3864, A replaced by G.
Molecular consequence: intron variant.
Genome position (GRCh38, 1-based): chr9:128,605,184, A>G. VCF-style: chr9-128605184-A-G. GRCh37 (hg19) VCF-style: chr9-131367463-A-G.
Other names: c.3900+6A>G (NM_001375318.1, NM_001375312.2); c.3864+6A>G (NM_001375311.2, NM_001375310.1, NM_001363759.2 and 2 more transcripts); c.3804+6A>G (NM_001375314.2, NM_001363765.2, NM_001195532.2).
Identifiers: ClinVar variation 2118887 (VCV002118887.4), dbSNP rs1357525578, ClinGen allele CA590941834.